The following is an entry in ClinVar:

NM_015959.4(TMX2):c.724_725del (p.Val242fs)

Genes: TMX2 (thioredoxin related transmembrane protein 2; plus strand), TMX2-CTNND1 (TMX2-CTNND1 readthrough (NMD candidate); plus strand). Cytogenetic location: 11q12.1.
Variant type: Deletion.
Coding change: c.724_725del on transcript NM_015959.4 (MANE Select); coding-DNA positions 724 to 725, 2 bases deleted (GT; older notation c.724_725delGT).
Protein change: p.Val242fs; shifts the reading frame from valine 242.
Molecular consequence: frameshift variant. On other transcripts: 3 prime UTR variant (1), non-coding transcript variant (4).
Genome position (GRCh38, 1-based): chr11:57,739,240-57,739,241, GT deleted; deleting any 2 consecutive bases within chr11:57,739,239-57,739,241 gives the same sequence; the c. name uses the placement nearest the transcript's 3' end. VCF-style (leftmost placement, unchanged base first): chr11-57739238-CTG-C. GRCh37 (hg19) VCF-style: chr11-57506710-CTG-C.
Other names: c.610_611del, p.Val204fs (NM_001144012.3); c.745_746del, p.Val249fs (NM_001347890.2); c.640_641del, p.Val214fs (NM_001347891.2); c.517_518del, p.Val173fs (NM_001347892.2); c.463_464del, p.Val155fs (NM_001347893.2); c.442_443del, p.Val148fs (NM_001347894.2, NM_001347895.2, NM_001347896.2); c.*17_*18del (NM_001347898.2); short protein forms V148fs, V155fs, V173fs, V204fs, V214fs, V242fs, V249fs.
Identifiers: ClinVar variation 2504761 (VCV002504761.2), dbSNP rs2495442389, ClinGen allele CA2580615701.

ClinVar aggregate classification (germline): Uncertain significance (1 of 4 stars; one submission).

Submission:

GeneDx
Classification: Uncertain significance. Last evaluated: 2024-06-04. Review status: criteria provided, single submitter. Criteria: GeneDx Variant Classification Process June 2021. Collection method: clinical testing. Allele origin: germline.
Comment: Not observed at significant frequency in large population cohorts (gnomAD); Frameshift variant predicted to result in abnormal protein length as the last 55 amino acids are replaced with 5 different amino acids; Has not been previously published as pathogenic or benign to our knowledge